The following is an entry in ClinVar:

NM_000465.4(BARD1):c.930T>C (p.Ser310=)

Gene: BARD1 (BRCA1 associated RING domain 1; minus strand). Cytogenetic location: 2q35.
Variant type: single nucleotide variant.
Coding change: c.930T>C on transcript NM_000465.4 (MANE Select); coding-DNA position 930, T replaced by C.
Protein change: p.Ser310=; no amino-acid change (serine 310 retained).
Molecular consequence: synonymous variant. On other transcripts: non-coding transcript variant (2), intron variant (3).
Genome position (GRCh38, 1-based): chr2:214,780,944, A>G on the plus strand (T>C on the coding strand, the complement: BARD1 is on the minus strand). VCF-style: chr2-214780944-A-G. GRCh37 (hg19) VCF-style: chr2-215645668-A-G.
Other names: c.873T>C, p.Ser291= (NM_001282543.2); c.159-28389T>C (NM_001282548.2); c.215+16117T>C (NM_001282545.2); c.364+11353T>C (NM_001282549.2).
Identifiers: ClinVar variation 3231811 (VCV003231811.3), dbSNP rs1182174277, ClinGen allele CA431391556.

ClinVar aggregate classification (germline): Benign/Likely benign. Review status: criteria provided, multiple submitters, no conflicts (2 of 4 stars). 3 submissions from 3 submitters: Benign (1); Likely benign (2). Last evaluated 2025-10-13.

Conditions:
Hereditary cancer-predisposing syndrome. Also called: Neoplastic Syndromes, Hereditary; Tumor predisposition; Hereditary neoplastic syndrome; Hereditary Cancer Syndrome. Identifiers: Orphanet 140162, MedGen C0027672, MeSH D009386, MONDO:0015356.
Familial cancer of breast. Also called: BREAST CANCER, FAMILIAL; Hereditary breast cancer; hereditary breast carcinoma. Identifiers: Orphanet 227535, MedGen C0346153, MONDO:0016419, OMIM 114480. Disease mechanism: loss of function.

Allele frequency attached by ClinVar (database versions not stated): TOPMed below 0.00001; gnomAD 0.00001.
gnomAD v4.1: 1 of 1,613,696 alleles (0.000062%); highest among the groups gnomAD compares: Non-Finnish European, 0.000085%; no homozygotes.

Submissions (3):

Labcorp Genetics (formerly Invitae), Labcorp
Classification: Likely benign for Familial cancer of breast. Last evaluated: 2025-10-13. Review status: criteria provided, single submitter. Criteria: Invitae Variant Classification Sherloc (09022015). Collection method: clinical testing. Allele origin: germline.

Myriad Genetics, Inc.
Classification: Benign for Familial cancer of breast. Last evaluated: 2024-07-23. Review status: criteria provided, single submitter. Criteria: Myriad Autosomal Dominant, Autosomal Recessive and X-Linked Classification Criteria (2023). Collection method: clinical testing. Allele origin: unknown.
Comment: This variant is considered benign. This variant is a silent/synonymous amino acid change and it is not expected to impact splicing.

Ambry Genetics
Classification: Likely benign for Hereditary cancer-predisposing syndrome. Last evaluated: 2024-03-04. Review status: criteria provided, single submitter. Criteria: Ambry Variant Classification Scheme 2023. Collection method: clinical testing. Allele origin: germline.